The following is an entry in ClinVar:

ClinVar aggregate classification (germline): Uncertain significance (1 of 4 stars; one submission).

Conditions:
MEGF10-related myopathy (CMYO10A). Also called: Congenital myopathy 10A, severe variant. Identifiers: Orphanet 439212, MedGen C3280679, MONDO:0013731, OMIM 614399.

Allele frequency attached by ClinVar (database versions not stated): gnomAD exomes below 0.00001.

Submission:

Labcorp Genetics (formerly Invitae), Labcorp
Classification: Uncertain significance for MEGF10-related myopathy. Last evaluated: 2022-06-20. Review status: criteria provided, single submitter. Criteria: Invitae Variant Classification Sherloc (09022015). Collection method: clinical testing. Allele origin: germline.
Comment: This variant is not present in population databases (gnomAD no frequency). This sequence change replaces methionine, which is neutral and non-polar, with valine, which is neutral and non-polar, at codon 1051 of the MEGF10 protein (p.Met1051Val). This variant has not been reported in the literature in individuals affected with MEGF10-related conditions. Algorithms developed to predict the effect of missense changes on protein structure and function are either unavailable or do not agree on the potential impact of this missense change (SIFT: "Deleterious"; PolyPhen-2: "Probably Damaging"; Align-GVGD: "Class C0"). In summary, the available evidence is currently insufficient to determine the role of this variant in disease. Therefore, it has been classified as a Variant of Uncertain Significance.

NM_001256545.2(MEGF10):c.3151A>G (p.Met1051Val)

Gene: MEGF10 (multiple EGF like domains 10; plus strand). Cytogenetic location: 5q23.2.
Variant type: single nucleotide variant.
Coding change: c.3151A>G on transcript NM_001256545.2 (MANE Select); coding-DNA position 3151, A replaced by G.
Protein change: p.Met1051Val; replaces methionine 1051 with valine.
Molecular consequence: missense variant.
Genome position (GRCh38, 1-based): chr5:127,455,526, A>G. VCF-style: chr5-127455526-A-G. GRCh37 (hg19) VCF-style: chr5-126791218-A-G.
Other names: c.3151A>G, p.Met1051Val (NM_032446.3); short protein forms M1051V.
Identifiers: ClinVar variation 2008747 (VCV002008747.4), dbSNP rs1325027953, ClinGen allele CA360716998.
Genomic context (GRCh38, chr5:127,455,526, plus strand): 5'-GCCACTATTAAAGACCCACCTGTACTTATCCCGAAAAGCTCAGAGTGTGGTTATGTGGAG[A>G]TGAAATCGCCGGCACGAAGAGATTCCCCATATGCAGAGATCAATAACTCAACTTCAGCCA-3'
Protein context (NP_001243474.1, residues 1041-1061): PKSSECGYVE[Met1051Val]KSPARRDSPY